The following is an entry in ClinVar:

NM_001365276.2(TNXB):c.5829C>G (p.His1943Gln)

Gene: TNXB (tenascin XB; minus strand). Cytogenetic location: 6p21.33.
Variant type: single nucleotide variant.
Coding change: c.5829C>G on transcript NM_001365276.2 (MANE Select); coding-DNA position 5829, C replaced by G.
Protein change: p.His1943Gln; replaces histidine 1943 with glutamine.
Molecular consequence: missense variant.
Genome position (GRCh38, 1-based): chr6:32,068,895, G>C on the plus strand (C>G on the coding strand, the complement: TNXB is on the minus strand). VCF-style: chr6-32068895-G-C. GRCh37 (hg19) VCF-style: chr6-32036672-G-C.
Other names: c.5829C>G, p.His1943Gln (NM_019105.8); short protein forms H1943Q.
Identifiers: ClinVar variation 1315332 (VCV001315332.2), dbSNP rs2151915142, ClinGen allele CA363406971.

ClinVar aggregate classification (germline): Uncertain significance (1 of 4 stars; one submission).

Submission:

GeneDx
Classification: Uncertain significance. Last evaluated: 2020-02-05. Review status: criteria provided, single submitter. Criteria: GeneDx Variant Classification Process June 2021. Collection method: clinical testing. Allele origin: germline. Affected: yes.
Comment: Has not been previously published as pathogenic or benign to our knowledge; Not observed in large population cohorts (Lek et al., 2016); In silico analysis supports that this missense variant has a deleterious effect on protein structure/function